The following is an entry in ClinVar:

NM_014714.4(IFT140):c.4330A>G (p.Met1444Val)

Gene: IFT140 (intraflagellar transport 140; minus strand). Cytogenetic location: 16p13.3.
Variant type: single nucleotide variant.
Coding change: c.4330A>G on transcript NM_014714.4 (MANE Select); coding-DNA position 4330, A replaced by G.
Protein change: p.Met1444Val; replaces methionine 1444 with valine.
Molecular consequence: missense variant.
Genome position (GRCh38, 1-based): chr16:1,511,003, T>C on the plus strand (A>G on the coding strand, the complement: IFT140 is on the minus strand). VCF-style: chr16-1511003-T-C. GRCh37 (hg19) VCF-style: chr16-1561004-T-C.
Other names: short protein forms M1444V.
Identifiers: ClinVar variation 1436459 (VCV001436459.5), dbSNP rs547804955, ClinGen allele CA7812783.

ClinVar aggregate classification (germline): Uncertain significance (1 of 4 stars; one submission).

Conditions:
Saldino-Mainzer syndrome (SRTD9). Also called: Renal dysplasia, retinal pigmentary dystrophy, cerebellar ataxia and skeletal dysplasia; CONORENAL SYNDROME; SHORT-RIB THORACIC DYSPLASIA 9 WITHOUT POLYDACTYLY; short-rib thoracic dysplasia 9 with or without polydactyly. Identifiers: Orphanet 140969, MedGen C1849437, MONDO:0009964, OMIM 266920.

Allele frequency attached by ClinVar (database versions not stated): gnomAD exomes below 0.00001; ExAC 0.00001; gnomAD 0.00001; TOPMed 0.00001; 1000 Genomes Project 30x 0.00016; 1000 Genomes Project 0.00020.

Submission:

Labcorp Genetics (formerly Invitae), Labcorp
Classification: Uncertain significance for Saldino-Mainzer syndrome. Last evaluated: 2024-02-23. Review status: criteria provided, single submitter. Criteria: Invitae Variant Classification Sherloc (09022015). Collection method: clinical testing. Allele origin: germline.
Comment: This sequence change replaces methionine, which is neutral and non-polar, with valine, which is neutral and non-polar, at codon 1444 of the IFT140 protein (p.Met1444Val). The frequency data for this variant in the population databases is considered unreliable, as metrics indicate poor data quality at this position in the gnomAD database. This variant has not been reported in the literature in individuals affected with IFT140-related conditions. ClinVar contains an entry for this variant (Variation ID: 1436459). Advanced modeling of protein sequence and biophysical properties (such as structural, functional, and spatial information, amino acid conservation, physicochemical variation, residue mobility, and thermodynamic stability) performed at Invitae indicates that this missense variant is not expected to disrupt IFT140 protein function with a negative predictive value of 95%. In summary, the available evidence is currently insufficient to determine the role of this variant in disease. Therefore, it has been classified as a Variant of Uncertain Significance.